The following is an entry in ClinVar:

ClinVar aggregate classification (germline): Uncertain significance (1 of 4 stars; one submission).

Conditions:
Familial thoracic aortic aneurysm and aortic dissection (TAAD). Also called: Thoracic aortic aneurysms and dissections. Identifiers: Orphanet 91387, MedGen C4707243, MONDO:0019625.

Allele frequency attached by ClinVar (database versions not stated): gnomAD exomes below 0.00001.
gnomAD v4.1: 4 of 1,565,368 alleles (0.00026%); highest among the groups gnomAD compares: Non-Finnish European, 0.00035%; no homozygotes.

Submission:

Color Diagnostics, LLC DBA Color Health
Classification: Uncertain significance for Familial thoracic aortic aneurysm and aortic dissection. Last evaluated: 2025-08-04. Review status: criteria provided, single submitter. Criteria: ACMG Guidelines, 2015. Collection method: clinical testing. Allele origin: germline.
Comment: This missense variant replaces aspartic acid with glycine at codon 527 of the COL3A1 protein. Computational prediction is inconclusive regarding the impact of this variant on protein structure and function. To our knowledge, functional studies have not been reported for this variant. This variant has not been reported in individuals affected with COL3A1-related disorders in the literature. This variant has not been identified in the general population by the Genome Aggregation Database (gnomAD). The available evidence is insufficient to determine the role of this variant in disease conclusively. Therefore, this variant is classified as a Variant of Uncertain Significance.

NM_000090.4(COL3A1):c.1580A>G (p.Asp527Gly)

Gene: COL3A1 (collagen type III alpha 1 chain; plus strand). Cytogenetic location: 2q32.2.
Variant type: single nucleotide variant.
Coding change: c.1580A>G on transcript NM_000090.4 (MANE Select); coding-DNA position 1580, A replaced by G.
Protein change: p.Asp527Gly; replaces aspartic acid 527 with glycine.
Molecular consequence: missense variant.
Genome position (GRCh38, 1-based): chr2:188,995,762, A>G. VCF-style: chr2-188995762-A-G. GRCh37 (hg19) VCF-style: chr2-189860488-A-G.
Other names: short protein forms D527G.
Identifiers: ClinVar variation 925554 (VCV000925554.4), dbSNP rs1688292723, ClinGen allele CA349852228.